The following is an entry in ClinVar:

ClinVar aggregate classification (germline): Uncertain significance. Review status: criteria provided, multiple submitters, no conflicts (2 of 4 stars). 2 submissions from 2 submitters: Uncertain significance (2). Last evaluated 2025-02-28.

Conditions:
Charcot-Marie-Tooth disease type 2. Also called: Charcot-Marie-Tooth type 2. Identifiers: Orphanet 64746, MedGen C0270914, MONDO:0018993.

Submissions (2):

GeneDx
Classification: Uncertain significance. Last evaluated: 2025-02-28. Review status: criteria provided, single submitter. Criteria: GeneDx Variant Classification Process June 2021. Collection method: clinical testing. Allele origin: germline. Affected: yes.
Comment: Not observed at significant frequency in large population cohorts (gnomAD); In silico analysis indicates that this missense variant does not alter protein structure/function; Has not been previously published as pathogenic or benign to our knowledge

Labcorp Genetics (formerly Invitae), Labcorp
Classification: Uncertain significance for Charcot-Marie-Tooth disease type 2. Last evaluated: 2021-04-29. Review status: criteria provided, single submitter. Criteria: Invitae Variant Classification Sherloc (09022015). Collection method: clinical testing. Allele origin: germline.
Comment: This sequence change replaces threonine with alanine at codon 736 of the GARS protein (p.Thr736Ala). The threonine residue is moderately conserved and there is a small physicochemical difference between threonine and alanine. This variant is not present in population databases (ExAC no frequency). This variant has not been reported in the literature in individuals with GARS-related conditions. Algorithms developed to predict the effect of missense changes on protein structure and function output the following: SIFT: "Deleterious"; PolyPhen-2: "Benign"; Align-GVGD: "Class C0". The alanine amino acid residue is found in multiple mammalian species, suggesting that this missense change does not adversely affect protein function. These predictions have not been confirmed by published functional studies and their clinical significance is uncertain. In summary, the available evidence is currently insufficient to determine the role of this variant in disease. Therefore, it has been classified as a Variant of Uncertain Significance.

NM_002047.4(GARS1):c.2206A>G (p.Thr736Ala)

Gene: GARS1 (glycyl-tRNA synthetase 1; plus strand). Cytogenetic location: 7p14.3.
Variant type: single nucleotide variant.
Coding change: c.2206A>G on transcript NM_002047.4 (MANE Select); coding-DNA position 2206, A replaced by G.
Protein change: p.Thr736Ala; replaces threonine 736 with alanine.
Molecular consequence: missense variant.
Genome position (GRCh38, 1-based): chr7:30,633,846, A>G. VCF-style: chr7-30633846-A-G. GRCh37 (hg19) VCF-style: chr7-30673462-A-G.
Other names: c.2044A>G, p.Thr682Ala (NM_001316772.1); c.2206A>G (NM_002047.2); short protein forms T682A, T736A.
Identifiers: ClinVar variation 1680968 (VCV001680968.9), dbSNP rs1785775131, ClinGen allele CA367132262.